The following is an entry in ClinVar:

ClinVar aggregate classification (germline): Pathogenic. Review status: criteria provided, single submitter (1 of 4 stars). 3 submissions from 3 submitters: Pathogenic (1). 2 of the submissions do not count toward it. Last evaluated 2022-01-18.

Conditions:
Hereditary cancer-predisposing syndrome. Also called: Tumor predisposition; Hereditary neoplastic syndrome; Neoplastic Syndromes, Hereditary; Hereditary Cancer Syndrome. Identifiers: Orphanet 140162, MedGen C0027672, MeSH D009386, MONDO:0015356.

Submissions (3):

Ambry Genetics
Classification: Pathogenic for Hereditary cancer-predisposing syndrome. Last evaluated: 2022-01-18. Review status: criteria provided, single submitter. Criteria: Ambry Variant Classification Scheme 2023. Collection method: clinical testing. Allele origin: germline.
Comment: The p.Y221* pathogenic mutation (also known as c.663C>G), located in coding exon 7 of the NF2 gene, results from a C to G substitution at nucleotide position 663. This changes the amino acid from a tyrosine to a stop codon within coding exon 7. This variant is considered to be rare based on population cohorts in the Genome Aggregation Database (gnomAD). This alteration is expected to result in loss of function by premature protein truncation or nonsense-mediated mRNA decay. As such, this alteration is interpreted as a disease-causing mutation.

Clinical Genetics DNA and cytogenetics Diagnostics Lab, Erasmus MC, Erasmus Medical Center
Classification: Pathogenic. Review status: no assertion criteria provided. Collection method: clinical testing. Allele origin: germline. Affected: yes. Study: VKGL Data-share Consensus. Not counted in ClinVar's aggregate classification.

Joint Genome Diagnostic Labs from Nijmegen and Maastricht, Radboudumc and MUMC+
Classification: Pathogenic. Review status: no assertion criteria provided. Collection method: clinical testing. Allele origin: germline. Affected: yes. Study: VKGL Data-share Consensus. Not counted in ClinVar's aggregate classification.

NM_000268.4(NF2):c.663C>G (p.Tyr221Ter)

Gene: NF2 (NF2, moesin-ezrin-radixin like (MERLIN) tumor suppressor; plus strand). Cytogenetic location: 22q12.2.
Variant type: single nucleotide variant.
Coding change: c.663C>G on transcript NM_000268.4 (MANE Select); coding-DNA position 663, C replaced by G.
Protein change: p.Tyr221Ter; replaces tyrosine 221 with a stop codon.
Molecular consequence: nonsense. On other transcripts: non-coding transcript variant (1), intron variant (1).
Genome position (GRCh38, 1-based): chr22:29,658,252, C>G. VCF-style: chr22-29658252-C-G. GRCh37 (hg19) VCF-style: chr22-30054241-C-G.
Other names: c.663C>G, p.Tyr221Ter (NM_016418.5, NM_181825.3, NM_181832.3); c.537C>G, p.Tyr179Ter (NM_181828.3); c.540C>G, p.Tyr180Ter (NM_181829.3); c.414C>G, p.Tyr138Ter (NM_181830.3, NM_181831.3); c.447+15967C>G (NM_181833.3); short protein forms Y138*, Y179*, Y180*, Y221*.
Identifiers: ClinVar variation 1297592 (VCV001297592.5), dbSNP rs2146990737, ClinGen allele CA411143111.